The following is an entry in ClinVar:

ClinVar aggregate classification (germline): Conflicting classifications of pathogenicity. Review status: criteria provided, conflicting classifications (1 of 4 stars). 10 submissions from 10 submitters: Uncertain significance (8); Likely benign (2). Last evaluated 2025-12-22.

Conditions:
Hereditary nonpolyposis colorectal neoplasms. Identifiers: MedGen C0009405, MeSH D003123.
Hereditary cancer-predisposing syndrome. Also called: Neoplastic Syndromes, Hereditary; Hereditary neoplastic syndrome; Tumor predisposition; Hereditary Cancer Syndrome. Identifiers: Orphanet 140162, MedGen C0027672, MeSH D009386, MONDO:0015356.
Lynch syndrome. Identifiers: Orphanet 144, MedGen C4552100, MONDO:0005835. Disease mechanism: loss of function.
Lynch syndrome 4 (LYNCH4). Also called: Hereditary non-polyposis colorectal cancer, type 4; Colorectal cancer, hereditary nonpolyposis, type 4. Identifiers: Orphanet 144, MedGen C1838333, MONDO:0013699, OMIM 614337. Disease mechanism: loss of function.

gnomAD v4.1: 19 of 1,613,968 alleles (0.0012%); highest among the groups gnomAD compares: Non-Finnish European, 0.0014%; no homozygotes.

Submissions (10):

Labcorp Genetics (formerly Invitae), Labcorp
Classification: Uncertain significance for Hereditary nonpolyposis colorectal neoplasms. Last evaluated: 2025-12-22. Review status: criteria provided, single submitter. Criteria: Invitae Variant Classification Sherloc (09022015). Collection method: clinical testing. Allele origin: germline.
Comment: This sequence change replaces threonine, which is neutral and polar, with methionine, which is neutral and non-polar, at codon 485 of the PMS2 protein (p.Thr485Met). This variant is present in population databases (rs1805323, gnomAD 0.0009%). This variant has not been reported in the literature in individuals affected with PMS2-related conditions. ClinVar contains an entry for this variant (Variation ID: 237886). Invitae Evidence Modeling incorporating data from in vitro experimental studies (internal data) indicates that this missense variant is not expected to disrupt PMS2 function with a negative predictive value of 95%. In summary, the available evidence is currently insufficient to determine the role of this variant in disease. Therefore, it has been classified as a Variant of Uncertain Significance.

Laboratory of Genetics, Children's Clinical University Hospital Latvia
Classification: Likely benign. Last evaluated: 2025-02-16. Review status: criteria provided, single submitter. Criteria: ACMG Guidelines, 2015. Collection method: clinical testing. Allele origin: germline. Affected: yes.

All of Us Research Program, National Institutes of Health
Classification: Uncertain significance for Lynch syndrome. Last evaluated: 2024-09-27. Review status: criteria provided, single submitter. Criteria: ACMG Guidelines, 2015. Collection method: clinical testing. Allele origin: germline. Inheritance: Autosomal dominant inheritance. Observed: 5 variant alleles, 5 heterozygotes.
Comment: This missense variant replaces threonine with methionine at codon 485 of the PMS2 protein. Computational prediction suggests that this variant may not impact protein structure and function (internally defined REVEL score threshold <= 0.5, PMID: 27666373). To our knowledge, functional studies have not been reported for this variant. This variant has not been reported in individuals affected with PMS2-related disorders in the literature. This variant has been identified in 1/251466 chromosomes in the general population by the Genome Aggregation Database (gnomAD). The available evidence is insufficient to determine the role of this variant in disease conclusively. Therefore, this variant is classified as a Variant of Uncertain Significance.

This study involves interpretation of variants in research participants for the purpose of population health screening. Participant phenotype was not available at the time of variant classification. Additional details can be found in publication PMID: 35346344, PMCID: PMC8962531

Color Diagnostics, LLC DBA Color Health
Classification: Uncertain significance for Hereditary cancer-predisposing syndrome. Last evaluated: 2024-06-26. Review status: criteria provided, single submitter. Criteria: ACMG Guidelines, 2015. Collection method: clinical testing. Allele origin: germline.
Comment: This missense variant replaces threonine with methionine at codon 485 of the PMS2 protein. Computational prediction suggests that this variant may not impact protein structure and function (internally defined REVEL score threshold <= 0.5, PMID: 27666373). To our knowledge, functional studies have not been reported for this variant. This variant has not been reported in individuals affected with PMS2-related disorders in the literature. This variant has been identified in 1/251466 chromosomes in the general population by the Genome Aggregation Database (gnomAD). The available evidence is insufficient to determine the role of this variant in disease conclusively. Therefore, this variant is classified as a Variant of Uncertain Significance.

Quest Diagnostics Nichols Institute San Juan Capistrano
Classification: Uncertain significance. Last evaluated: 2024-06-26. Review status: criteria provided, single submitter. Criteria: Quest Diagnostics criteria. Collection method: clinical testing. Allele origin: unknown.
Comment: The PMS2 c.1454C>T (p.Thr485Met) variant has not been reported in individuals with PMS2-related conditions in the published literature. The frequency of this variant in the general population, 0.000004 (1/251466 chromosomes (Genome Aggregation Database)), is uninformative in the assessment of its pathogenicity. Analysis of this variant using bioinformatics tools for the prediction of the effect of amino acid changes on protein structure and function yielded predictions that this variant is benign. Based on the available information, we are unable to determine the clinical significance of this variant.

GeneDx
Classification: Uncertain significance. Last evaluated: 2024-06-03. Review status: criteria provided, single submitter. Criteria: GeneDx Variant Classification Process June 2021. Collection method: clinical testing. Allele origin: germline. Affected: yes.
Comment: Not observed at significant frequency in large population cohorts (gnomAD); In silico analysis indicates that this missense variant does not alter protein structure/function; Has not been previously published as pathogenic or benign to our knowledge

Institute for Biomarker Research, Medical Diagnostic Laboratories, L.L.C.
Classification: Uncertain significance for Hereditary cancer-predisposing syndrome. Last evaluated: 2024-03-22. Review status: criteria provided, single submitter. Criteria: ACMG Guidelines, 2015. Collection method: clinical testing. Allele origin: germline.

Department of Pathology and Laboratory Medicine, Sinai Health System
Classification: Uncertain significance for Lynch syndrome. Last evaluated: 2022-07-15. Review status: criteria provided, single submitter. Criteria: ACMG Guidelines, 2015. Collection method: clinical testing. Allele origin: germline. Affected: yes.

MGZ Medical Genetics Center
Classification: Uncertain significance for Lynch syndrome 4. Last evaluated: 2022-05-13. Review status: criteria provided, single submitter. Criteria: ACMG Guidelines, 2015. Collection method: clinical testing. Allele origin: germline. Affected: yes. Observed: 1 variant allele.
Comment: ACMG criteria applied: PM2_SUP, BP4

Ambry Genetics
Classification: Likely benign for Hereditary cancer-predisposing syndrome. Last evaluated: 2018-06-26. Review status: criteria provided, single submitter. Criteria: Ambry Variant Classification Scheme 2023. Collection method: clinical testing. Allele origin: germline.

NM_000535.7(PMS2):c.1454C>T (p.Thr485Met)

Gene: PMS2 (PMS1 homolog 2, mismatch repair system component; minus strand). Cytogenetic location: 7p22.1.
Variant type: single nucleotide variant.
Coding change: c.1454C>T on transcript NM_000535.7 (MANE Select); coding-DNA position 1454, C replaced by T.
Protein change: p.Thr485Met; replaces threonine 485 with methionine.
Molecular consequence: missense variant. On other transcripts: non-coding transcript variant (1).
Genome position (GRCh38, 1-based): chr7:5,987,311, G>A on the plus strand (C>T on the coding strand, the complement: PMS2 is on the minus strand). VCF-style: chr7-5987311-G-A. GRCh37 (hg19) VCF-style: chr7-6026942-G-A.
Other names: c.1049C>T, p.Thr350Met (NM_001322003.2, NM_001322004.2, NM_001322005.2 and 1 more transcripts); c.1298C>T, p.Thr433Met (NM_001322006.2); c.1136C>T, p.Thr379Met (NM_001322007.2, NM_001322008.2); c.893C>T, p.Thr298Met (NM_001322010.2); c.521C>T, p.Thr174Met (NM_001322011.2, NM_001322012.2); c.881C>T, p.Thr294Met (NM_001322013.2); c.1454C>T, p.Thr485Met (NM_001322014.2); c.1145C>T, p.Thr382Met (NM_001322015.2); short protein forms T485M, T350M, T382M, T433M, T174M, T298M, T379M, T294M.
Identifiers: ClinVar variation 237886 (VCV000237886.30), dbSNP rs1805323, ClinGen allele CA043685.